The following is an entry in ClinVar:

NM_000138.5(FBN1):c.778G>A (p.Gly260Arg)

Gene: FBN1 (fibrillin 1; minus strand). Cytogenetic location: 15q21.1.
Variant type: single nucleotide variant.
Coding change: c.778G>A on transcript NM_000138.5 (MANE Select); coding-DNA position 778, G replaced by A.
Protein change: p.Gly260Arg; replaces glycine 260 with arginine.
Molecular consequence: missense variant.
Genome position (GRCh38, 1-based): chr15:48,534,164, C>T on the plus strand (G>A on the coding strand, the complement: FBN1 is on the minus strand). VCF-style: chr15-48534164-C-T. GRCh37 (hg19) VCF-style: chr15-48826361-C-T.
Other names: short protein forms G260R.
Identifiers: ClinVar variation 921097 (VCV000921097.5), dbSNP rs2043995400, ClinGen allele CA392352648.

ClinVar aggregate classification (germline): Uncertain significance. Review status: criteria provided, multiple submitters, no conflicts (2 of 4 stars). 3 submissions from 3 submitters: Uncertain significance (3). Last evaluated 2022-01-01.

Conditions:
Weill-Marchesani syndrome 2, dominant. Also called: FBN1-Related Weill-Marchesani Syndrome; Weill-Marchesani Syndrome, Autosomal Dominant. Identifiers: Orphanet 2084, MedGen C1869115, MONDO:0012013, OMIM 608328.
Progeroid and marfanoid aspect-lipodystrophy syndrome. Also called: MARFANOID-PROGEROID SYNDROME; MARFAN-PROGEROID-LIPODYSTROPHY SYNDROME; Marfan lipodystrophy syndrome; MARFANOID-PROGEROID-LIPODYSTROPHY SYNDROME. Identifiers: Orphanet 300382, MedGen C4310796, MONDO:0014831, OMIM 616914.
Acromicric dysplasia (ACMICD). Also called: Acromicric skeletal dysplasia. Identifiers: Orphanet 969, MedGen C0265287, MONDO:0007055, OMIM 102370.
Ectopia lentis 1, isolated, autosomal dominant (ECTOL1). Identifiers: Orphanet 1885, MedGen C3541518, MONDO:0007514, OMIM 129600.
Geleophysic dysplasia 2 (GPHYSD2). Identifiers: Orphanet 2623, MedGen C3280054, MONDO:0013612, OMIM 614185.
Marfan syndrome (MFS). Also called: Marfan syndrome, classic; Marfan syndrome type 1; Marfan's syndrome; FBN1-Related Marfan Syndrome; MARFAN SYNDROME, TYPE I. Identifiers: Orphanet 284963, Orphanet 558, MedGen C0024796, MONDO:0007947, OMIM 154700.
MASS syndrome (OCTD). Also called: OVERLAP CONNECTIVE TISSUE DISEASE; MASS PHENOTYPE. Identifiers: MedGen C1858556, MONDO:0011431, OMIM 604308.
Stiff skin syndrome (SSKS). Identifiers: Orphanet 2833, MedGen C1861456, MONDO:0008492, OMIM 184900.
Familial thoracic aortic aneurysm and aortic dissection (TAAD). Also called: Thoracic aortic aneurysms and dissections. Identifiers: Orphanet 91387, MedGen C4707243, MONDO:0019625.

Allele frequency attached by ClinVar (database versions not stated): gnomAD exomes below 0.00001; TOPMed below 0.00001.
gnomAD v4.1: 1 of 1,613,804 alleles (0.000062%); highest among the groups gnomAD compares: Non-Finnish European, 0.000085%; no homozygotes.

Submissions (3):

AiLife Diagnostics
Classification: Uncertain significance. Last evaluated: 2022-01-01. Review status: criteria provided, single submitter. Criteria: ACMG Guidelines, 2015. Collection method: clinical testing. Allele origin: germline. Affected: yes. Observed: 1 variant allele.

Fulgent Genetics
Classification: Uncertain significance for Acromicric dysplasia; Ectopia lentis 1, isolated, autosomal dominant; Marfan syndrome; Stiff skin syndrome; MASS syndrome; Weill-Marchesani syndrome 2, dominant; Geleophysic dysplasia 2; Progeroid and marfanoid aspect-lipodystrophy syndrome. Last evaluated: 2021-08-26. Review status: criteria provided, single submitter. Criteria: ACMG Guidelines, 2015. Collection method: clinical testing. Allele origin: unknown.

Color Diagnostics, LLC DBA Color Health
Classification: Uncertain significance for Familial thoracic aortic aneurysm and aortic dissection. Last evaluated: 2019-12-11. Review status: criteria provided, single submitter. Criteria: ACMG Guidelines, 2015. Collection method: clinical testing. Allele origin: germline.
Comment: This missense variant replaces glycine with arginine at codon 260 of the FBN1 protein. Computational prediction suggests that this variant may have deleterious impact on protein structure and function (internally defined REVEL score threshold >= 0.7, PMID: 27666373). Splice site prediction tools suggest that this variant may not impact RNA splicing. To our knowledge, functional studies have not been performed for this variant. This variant has not been reported in individuals affected with cardiovascular disorders in the literature. This variant has not been identified in the general population by the Genome Aggregation Database (gnomAD). The available evidence is insufficient to determine the role of this variant in disease conclusively. Therefore, this variant is classified as a Variant of Uncertain Significance.